The following is an entry in ClinVar:

ClinVar aggregate classification (germline): Likely benign. Review status: criteria provided, multiple submitters, no conflicts (2 of 4 stars). 3 submissions from 3 submitters: Likely benign (3). Last evaluated 2025-11-17.

Conditions:
Malignant hyperthermia, susceptibility to, 5 (MHS5). Also called: CACNA1S-Related Malignant Hyperthermia Susceptibility. Identifiers: Orphanet 423, MedGen C1866077, MONDO:0011163, OMIM 601887.
Hypokalemic periodic paralysis, type 1. Also called: HypoPP; Hypokalemic Periodic Paralysis Type 1 (AD). Identifiers: Orphanet 681, MedGen C3714580, MONDO:0042979, OMIM 170400.

Allele frequency attached by ClinVar (database versions not stated): gnomAD exomes below 0.00001; ExAC 0.00002; TOPMed 0.00002; gnomAD 0.00004.
gnomAD v4.1: 13 of 1,613,566 alleles (0.00081%); highest among the groups gnomAD compares: Admixed American, 0.0067%; no homozygotes.

Submissions (3):

Labcorp Genetics (formerly Invitae), Labcorp
Classification: Likely benign for Hypokalemic periodic paralysis, type 1; Malignant hyperthermia, susceptibility to, 5. Last evaluated: 2025-11-17. Review status: criteria provided, single submitter. Criteria: Invitae Variant Classification Sherloc (09022015). Collection method: clinical testing. Allele origin: germline.

All of Us Research Program, National Institutes of Health
Classification: Likely benign for Malignant hyperthermia, susceptibility to, 5. Last evaluated: 2024-08-06. Review status: criteria provided, single submitter. Criteria: ACMG Guidelines, 2015. Collection method: clinical testing. Allele origin: germline. Inheritance: Autosomal dominant inheritance. Observed: 2 variant alleles, 2 heterozygotes.
Comment: This study involves interpretation of variants in research participants for the purpose of population health screening. Participant phenotype was not available at the time of variant classification. Additional details can be found in publication PMID: 35346344, PMCID: PMC8962531

Color Diagnostics, LLC DBA Color Health
Classification: Likely benign for Malignant hyperthermia, susceptibility to, 5. Last evaluated: 2022-11-06. Review status: criteria provided, single submitter. Criteria: ACMG Guidelines, 2015. Collection method: clinical testing. Allele origin: germline.

NM_000069.3(CACNA1S):c.4371C>T (p.Ser1457=)

Gene: CACNA1S (calcium voltage-gated channel subunit alpha1 S; minus strand). Cytogenetic location: 1q32.1.
Variant type: single nucleotide variant.
Coding change: c.4371C>T on transcript NM_000069.3 (MANE Select); coding-DNA position 4371, C replaced by T.
Protein change: p.Ser1457=; no amino-acid change (serine 1457 retained).
Molecular consequence: synonymous variant.
Genome position (GRCh38, 1-based): chr1:201,048,652, G>A on the plus strand (C>T on the coding strand, the complement: CACNA1S is on the minus strand). VCF-style: chr1-201048652-G-A. GRCh37 (hg19) VCF-style: chr1-201017780-G-A.
Identifiers: ClinVar variation 2058171 (VCV002058171.6), dbSNP rs767347290, ClinGen allele CA083309.